The following is an entry in ClinVar:

NM_003476.5(CSRP3):c.284C>G (p.Ser95Cys)

Gene: CSRP3 (cysteine and glycine rich protein 3; minus strand). Cytogenetic location: 11p15.1.
Variant type: single nucleotide variant.
Coding change: c.284C>G on transcript NM_003476.5 (MANE Select); coding-DNA position 284, C replaced by G.
Protein change: p.Ser95Cys; replaces serine 95 with cysteine.
Molecular consequence: missense variant.
Genome position (GRCh38, 1-based): chr11:19,186,346, G>C on the plus strand (C>G on the coding strand, the complement: CSRP3 is on the minus strand). VCF-style: chr11-19186346-G-C. GRCh37 (hg19) VCF-style: chr11-19207893-G-C.
Other names: c.284C>G, p.Ser95Cys (NM_001127656.1); c.115C>G, p.Pro39Ala (NM_001369404.1); short protein forms S95C, P39A.
Identifiers: ClinVar variation 2950106 (VCV002950106.3), dbSNP rs767477787, ClinGen allele CA379888091.

ClinVar aggregate classification (germline): Uncertain significance (1 of 4 stars; one submission).

Conditions:
Hypertrophic cardiomyopathy 12. Identifiers: MedGen C2677491, MONDO:0012804, OMIM 612124.
Dilated cardiomyopathy 1M (CMD1M). Identifiers: Orphanet 154, MedGen C1843808, MONDO:0011840, OMIM 607482.

Submission:

Labcorp Genetics (formerly Invitae), Labcorp
Classification: Uncertain significance for Hypertrophic cardiomyopathy 12; Dilated cardiomyopathy 1M. Last evaluated: 2025-12-08. Review status: criteria provided, single submitter. Criteria: Invitae Variant Classification Sherloc (09022015). Collection method: clinical testing. Allele origin: germline.
Comment: This sequence change replaces serine, which is neutral and polar, with cysteine, which is neutral and slightly polar, at codon 95 of the CSRP3 protein (p.Ser95Cys). This variant is not present in population databases (gnomAD no frequency). This variant has not been reported in the literature in individuals affected with CSRP3-related conditions. ClinVar contains an entry for this variant (Variation ID: 2950106). An algorithm developed to predict the effect of missense changes on protein structure and function (PolyPhen-2) suggests that this variant is likely to be disruptive. In summary, the available evidence is currently insufficient to determine the role of this variant in disease. Therefore, it has been classified as a Variant of Uncertain Significance.